The following is an entry in ClinVar:

NM_182493.3(MYLK3):c.1769A>T (p.Glu590Val)

Gene: MYLK3 (myosin light chain kinase 3; minus strand). Cytogenetic location: 16q11.2.
Variant type: single nucleotide variant.
Coding change: c.1769A>T on transcript NM_182493.3 (MANE Select); coding-DNA position 1769, A replaced by T.
Protein change: p.Glu590Val; replaces glutamic acid 590 with valine.
Molecular consequence: missense variant.
Genome position (GRCh38, 1-based): chr16:46,729,027, T>A on the plus strand (A>T on the coding strand, the complement: MYLK3 is on the minus strand). VCF-style: chr16-46729027-T-A. GRCh37 (hg19) VCF-style: chr16-46762939-T-A.
Other names: c.746A>T, p.Glu249Val (NM_001308301.1); short protein forms E249V, E590V.
Identifiers: ClinVar variation 2130538 (VCV002130538.4), dbSNP rs2548904329, ClinGen allele CA395790052.

ClinVar aggregate classification (germline): Uncertain significance (1 of 4 stars; one submission).

Allele frequency attached by ClinVar (database versions not stated): gnomAD exomes 0.00001.
gnomAD v4.1: 5 of 1,613,390 alleles (0.00031%); highest among the groups gnomAD compares: Non-Finnish European, 0.00042%; no homozygotes.

Submission:

Labcorp Genetics (formerly Invitae), Labcorp
Classification: Uncertain significance. Last evaluated: 2025-09-08. Review status: criteria provided, single submitter. Criteria: Invitae Variant Classification Sherloc (09022015). Collection method: clinical testing. Allele origin: germline.
Comment: This sequence change replaces glutamic acid, which is acidic and polar, with valine, which is neutral and non-polar, at codon 590 of the MYLK3 protein (p.Glu590Val). This variant is not present in population databases (gnomAD no frequency). This variant has not been reported in the literature in individuals affected with MYLK3-related conditions. ClinVar contains an entry for this variant (Variation ID: 2130538). An algorithm developed to predict the effect of missense changes on protein structure and function (PolyPhen-2) suggests that this variant is likely to be disruptive. In summary, the available evidence is currently insufficient to determine the role of this variant in disease. Therefore, it has been classified as a Variant of Uncertain Significance.